The following is an entry in ClinVar:

NM_000514.4(GDNF):c.22G>A (p.Ala8Thr)

Gene: GDNF (glial cell derived neurotrophic factor; minus strand). Cytogenetic location: 5p13.2.
Variant type: single nucleotide variant.
Coding change: c.22G>A on transcript NM_000514.4 (MANE Select); coding-DNA position 22, G replaced by A.
Protein change: p.Ala8Thr; replaces alanine 8 with threonine.
Molecular consequence: missense variant. On other transcripts: 5 prime UTR variant (1).
Genome position (GRCh38, 1-based): chr5:37,834,775, C>T on the plus strand (G>A on the coding strand, the complement: GDNF is on the minus strand). VCF-style: chr5-37834775-C-T. GRCh37 (hg19) VCF-style: chr5-37834877-C-T.
Other names: c.73G>A, p.Ala25Thr (NM_001190468.1, NM_001190469.1); c.-137G>A (NM_001278098.1); c.22G>A, p.Ala8Thr (NM_199231.2); short protein forms A25T, A8T.
Identifiers: ClinVar variation 4991209 (VCV004991209.1).
Genomic context (GRCh38, chr5:37,834,775, plus strand): 5'-GCCTCTTACCGGCGGGCAGCGGGAAGGCGGACGCGGTGTGGAGCAGCACCAGGCAGACAG[C>T]CACGACATCCCATAACTTCATCTTAAAGTCCCGTCCGGCGGCGGCACCTGCGCGGGCAGG-3'
Protein context (NP_000505.1, residues 1-18): MKLWDVV[Ala8Thr]VCLVLLHTAS

ClinVar aggregate classification (germline): Uncertain significance (1 of 4 stars; one submission).

Conditions:
GDNF-related disorder. Also called: GDNF-related condition.

gnomAD v4.1: 1 of 1,613,318 alleles (0.000062%); highest among the groups gnomAD compares: South Asian, 0.0011%; no homozygotes.

Submission:

PreventionGenetics, part of Exact Sciences
Classification: Uncertain significance for GDNF-related condition. Last evaluated: 2025-09-24. Review status: criteria provided, single submitter. Criteria: ACMG Guidelines, 2015. Collection method: clinical testing. Allele origin: germline.
Comment: The GDNF c.73G>A variant is predicted to result in the amino acid substitution p.Ala25Thr. To our knowledge, this variant has not been reported in the literature or in a large population database (gnomAD), indicating this variant is rare. At this time, the clinical significance of this variant is uncertain due to the absence of conclusive functional and genetic evidence.